The following is an entry in ClinVar:

ClinVar aggregate classification (germline): Uncertain significance. Review status: criteria provided, multiple submitters, no conflicts (2 of 4 stars). 2 submissions from 2 submitters: Uncertain significance (2). Last evaluated 2026-06-01.

Conditions:
Nephronophthisis. Also called: Juvenile Nephronophthisis. Identifiers: Orphanet 655, MedGen C0687120, MONDO:0019005, HP:0000090.
Joubert syndrome. Also called: Familial aplasia of the vermis; JOUBERT-BOLTSHAUSER SYNDROME. Identifiers: Orphanet 475, MedGen C5979921, MONDO:0018772.
Meckel-Gruber syndrome. Also called: Dysencephalia splachnocystica; DYSENCEPHALIA SPLANCHNOCYSTICA; GRUBER SYNDROME. Identifiers: Orphanet 564, MedGen C0265215, MONDO:0018921.
CEP290-related disorder. Also called: CEP290-related disorders; CEP290-related condition. Identifiers: MedGen CN239314.

Allele frequency attached by ClinVar (database versions not stated): TOPMed below 0.00001; ExAC 0.00001; gnomAD exomes below 0.00001.
gnomAD v4.1: 2 of 1,609,498 alleles (0.00012%); highest among the groups gnomAD compares: African/African-American, 0.0013%; no homozygotes.

Submissions (2):

PreventionGenetics, part of Exact Sciences
Classification: Uncertain significance for CEP290-related condition. Last evaluated: 2026-06-01. Review status: criteria provided, single submitter. Criteria: ACMG Guidelines, 2015. Collection method: clinical testing. Allele origin: germline.
Comment: The CEP290 c.3313A>C variant is predicted to result in the amino acid substitution p.Thr1105Pro. To our knowledge, this variant has not been reported in the literature. This variant is reported in 0.00090% of alleles in individuals of European (Non-Finnish) descent in gnomAD. At this time, the clinical significance of this variant is uncertain due to the absence of conclusive functional and genetic evidence.

Labcorp Genetics (formerly Invitae), Labcorp
Classification: Uncertain significance for Joubert syndrome; Meckel-Gruber syndrome; Nephronophthisis. Last evaluated: 2023-11-13. Review status: criteria provided, single submitter. Criteria: Invitae Variant Classification Sherloc (09022015). Collection method: clinical testing. Allele origin: germline.
Comment: This sequence change replaces threonine, which is neutral and polar, with proline, which is neutral and non-polar, at codon 1105 of the CEP290 protein (p.Thr1105Pro). This variant is present in population databases (rs772886007, gnomAD 0.0009%). This variant has not been reported in the literature in individuals affected with CEP290-related conditions. ClinVar contains an entry for this variant (Variation ID: 1506738). Advanced modeling of protein sequence and biophysical properties (such as structural, functional, and spatial information, amino acid conservation, physicochemical variation, residue mobility, and thermodynamic stability) performed at Invitae indicates that this missense variant is expected to disrupt CEP290 protein function with a positive predictive value of 80%. In summary, the available evidence is currently insufficient to determine the role of this variant in disease. Therefore, it has been classified as a Variant of Uncertain Significance.

NM_025114.4(CEP290):c.3313A>C (p.Thr1105Pro)

Gene: CEP290 (centrosomal protein 290; minus strand). Cytogenetic location: 12q21.32.
Variant type: single nucleotide variant.
Coding change: c.3313A>C on transcript NM_025114.4 (MANE Select); coding-DNA position 3313, A replaced by C.
Protein change: p.Thr1105Pro; replaces threonine 1105 with proline.
Molecular consequence: missense variant.
Genome position (GRCh38, 1-based): chr12:88,092,829, T>G on the plus strand (A>C on the coding strand, the complement: CEP290 is on the minus strand). VCF-style: chr12-88092829-T-G. GRCh37 (hg19) VCF-style: chr12-88486606-T-G.
Other names: c.3313A>C (NM_025114.3); short protein forms T1105P.
Identifiers: ClinVar variation 1506738 (VCV001506738.9), dbSNP rs772886007, ClinGen allele CA6712161.